The following is an entry in ClinVar:

NM_001378454.1(ALMS1):c.3694C>T (p.Pro1232Ser)

Gene: ALMS1 (ALMS1 centrosome and basal body associated protein; plus strand). Cytogenetic location: 2p13.1.
Variant type: single nucleotide variant.
Coding change: c.3694C>T on transcript NM_001378454.1 (MANE Select); coding-DNA position 3694, C replaced by T.
Protein change: p.Pro1232Ser; replaces proline 1232 with serine.
Molecular consequence: missense variant.
Genome position (GRCh38, 1-based): chr2:73,450,221, C>T. VCF-style: chr2-73450221-C-T. GRCh37 (hg19) VCF-style: chr2-73677348-C-T.
Other names: c.3697C>T, p.Pro1233Ser (NM_015120.4); short protein forms P1232S, P1233S.
Identifiers: ClinVar variation 2071716 (VCV002071716.1), dbSNP rs1245248608, ClinGen allele CA347276259.
Genomic context (GRCh38, chr2:73,450,221, plus strand): 5'-CCTGAAGAGGCACAGAAAGTTTCACCTGTTCTTGGACCAGCTGACCAGAAGACTGGGACA[C>T]CAACTCCAACCTCTGCTTCTTACTCACACACAGAGAAGCCTGGTATTTTCTACCAACAGG-3'
Protein context (NP_001365383.1, residues 1222-1242): LGPADQKTGT[Pro1232Ser]TPTSASYSHT

ClinVar aggregate classification (germline): Uncertain significance (1 of 4 stars; one submission).

Conditions:
Alstrom syndrome (ALMS). Identifiers: Orphanet 64, MedGen C0268425, MONDO:0008763, OMIM 203800.

Allele frequency attached by ClinVar (database versions not stated): gnomAD exomes below 0.00001.
gnomAD v4.1: 2 of 1,614,066 alleles (0.00012%); highest among the groups gnomAD compares: Admixed American, 0.0017%; no homozygotes.

Submission:

Labcorp Genetics (formerly Invitae), Labcorp
Classification: Uncertain significance for Alstrom syndrome. Last evaluated: 2022-07-25. Review status: criteria provided, single submitter. Criteria: Invitae Variant Classification Sherloc (09022015). Collection method: clinical testing. Allele origin: germline.
Comment: This sequence change replaces proline, which is neutral and non-polar, with serine, which is neutral and polar, at codon 1233 of the ALMS1 protein (p.Pro1233Ser). This variant is present in population databases (no rsID available, gnomAD 0.003%). This variant has not been reported in the literature in individuals affected with ALMS1-related conditions. Experimental studies and prediction algorithms are not available or were not evaluated, and the functional significance of this variant is currently unknown. In summary, the available evidence is currently insufficient to determine the role of this variant in disease. Therefore, it has been classified as a Variant of Uncertain Significance.